The following is an entry in ClinVar:

ClinVar aggregate classification (germline): Conflicting classifications of pathogenicity. Review status: criteria provided, conflicting classifications (1 of 4 stars). 4 submissions from 4 submitters: Uncertain significance (1); Benign (1); Likely benign (2). Last evaluated 2026-01-20.

Conditions:
Mitochondrial hypertrophic cardiomyopathy with lactic acidosis due to MTO1 deficiency. Also called: CARDIOMYOPATHY, INFANTILE HYPERTROPHIC MITOCHONDRIAL, AND LACTIC ACIDOSIS; Combined oxidative phosphorylation deficiency 10. Identifiers: Orphanet 314637, MedGen C4749921, MONDO:0013865, OMIM 614702.

Allele frequency attached by ClinVar (database versions not stated): TOPMed 0.00014; ESP Exome Variant Server 0.00015; 1000 Genomes Project 30x 0.00016; 1000 Genomes Project 0.00020; gnomAD exomes 0.00071 and 0.00106; ExAC 0.00072; gnomAD 0.00082 and 0.00085.
gnomAD v4.1: 1,154 of 1,614,048 alleles (0.071%); highest among the groups gnomAD compares: Non-Finnish European, 0.048%; 2 homozygotes.

Submissions (4):

Labcorp Genetics (formerly Invitae), Labcorp
Classification: Benign for Mitochondrial hypertrophic cardiomyopathy with lactic acidosis due to MTO1 deficiency. Last evaluated: 2026-01-20. Review status: criteria provided, single submitter. Criteria: Invitae Variant Classification Sherloc (09022015). Collection method: clinical testing. Allele origin: germline.

Mayo Clinic Laboratories, Mayo Clinic
Classification: Uncertain significance. Last evaluated: 2025-05-08. Review status: criteria provided, single submitter. Criteria: ACMG Guidelines, 2015. Collection method: clinical testing. Allele origin: germline. Observed: 3 variant alleles.
Comment: PP3_moderate

Blueprint Genetics
Classification: Likely benign. Last evaluated: 2024-10-01. Review status: criteria provided, single submitter. Criteria: ACMG Guidelines, 2015. Collection method: clinical testing. Allele origin: germline.

GeneDx
Classification: Likely benign. Last evaluated: 2020-05-26. Review status: criteria provided, single submitter. Criteria: GeneDx Variant Classification Process June 2021. Collection method: clinical testing. Allele origin: germline. Affected: yes.
Comment: In silico analysis supports that this missense variant has a deleterious effect on protein structure/function; This variant is associated with the following publications: (PMID: 22494076)

Literature cited by the submitters: PubMed 22494076 (cited by Mayo Clinic Laboratories, Mayo Clinic); PubMed 23929671 (cited by Mayo Clinic Laboratories, Mayo Clinic); PubMed 27256614 (cited by Mayo Clinic Laboratories, Mayo Clinic).

NM_012123.4(MTO1):c.176G>C (p.Gly59Ala)

Gene: MTO1 (mitochondrial tRNA translation optimization 1; plus strand). Cytogenetic location: 6q13.
Variant type: single nucleotide variant.
Coding change: c.176G>C on transcript NM_012123.4 (MANE Select); coding-DNA position 176, G replaced by C.
Protein change: p.Gly59Ala; replaces glycine 59 with alanine.
Molecular consequence: missense variant.
Genome position (GRCh38, 1-based): chr6:73,462,030, G>C. VCF-style: chr6-73462030-G-C. GRCh37 (hg19) VCF-style: chr6-74171753-G-C.
Other names: p.Gly59Ala; c.176G>C, p.Gly59Ala (NM_001123226.2, NM_133645.3); short protein forms G59A.
Identifiers: ClinVar variation 540425 (VCV000540425.18), dbSNP rs201279883, ClinGen allele CA3889240.
Genomic context (GRCh38, chr6:73,462,030, plus strand): 5'-TGATAGTCATTGGTGGAGGACATGCCGGGACTGAGGCAGCCACCGCCGCCGCTCGGTGCG[G>C]CTCTCGGACTCTGCTCCTCACTCACCGCGTGGACACGATCGGTGAGGAGCGCGGGTGCTG-3'
Protein context (NP_036255.2, residues 49-69): TEAATAAARC[Gly59Ala]SRTLLLTHRV